The following is an entry in ClinVar:

NM_000057.4(BLM):c.3014T>C (p.Ile1005Thr)

Gene: BLM (BLM RecQ like helicase; plus strand). Cytogenetic location: 15q26.1.
Variant type: single nucleotide variant.
Coding change: c.3014T>C on transcript NM_000057.4 (MANE Select); coding-DNA position 3014, T replaced by C.
Protein change: p.Ile1005Thr; replaces isoleucine 1005 with threonine.
Molecular consequence: missense variant.
Genome position (GRCh38, 1-based): chr15:90,790,839, T>C. VCF-style: chr15-90790839-T-C. GRCh37 (hg19) VCF-style: chr15-91334069-T-C.
Other names: c.3014T>C, p.Ile1005Thr (NM_001287246.2, NM_001287247.2); c.1889T>C, p.Ile630Thr (NM_001287248.2); short protein forms I1005T, I630T.
Identifiers: ClinVar variation 584503 (VCV000584503.23), dbSNP rs772671554, ClinGen allele CA7738908.
Genomic context (GRCh38, chr15:90,790,839, plus strand): 5'-AAATATCTCACTGCCTGCTTTTCTATACCTATCATGATGTGACCAGACTGAAAAGACTTA[T>C]AATGAGTAAGCTGGGCTCCATTGTAGAGACATTCTGTCATCTTCAGCCTCATGATAGTAG-3'
Protein context (NP_000048.1, residues 995-1015): YHDVTRLKRL[Ile1005Thr]MMEKDGNHHT

ClinVar aggregate classification (germline): Uncertain significance. Review status: criteria provided, multiple submitters, no conflicts (2 of 4 stars). 5 submissions from 5 submitters: Uncertain significance (4). 1 of the submissions does not count toward it. Last evaluated 2026-02-23.

Conditions:
Bloom syndrome (BLM). Also called: Bloom-Torre-Machacek syndrome. Identifiers: Orphanet 125, MedGen C0005859, MONDO:0008876, OMIM 210900.
Hereditary cancer-predisposing syndrome. Also called: Tumor predisposition; Hereditary Cancer Syndrome; Neoplastic Syndromes, Hereditary; Hereditary neoplastic syndrome. Identifiers: Orphanet 140162, MedGen C0027672, MeSH D009386, MONDO:0015356.

Allele frequency attached by ClinVar (database versions not stated): gnomAD 0.00001; TOPMed 0.00001; ExAC 0.00002.
gnomAD v4.1: 12 of 1,613,320 alleles (0.00074%); highest among the groups gnomAD compares: African/African-American, 0.0027%; no homozygotes.

Submissions (5):

Laboratorio de Genetica e Diagnostico Molecular, Hospital Israelita Albert Einstein
Classification: Uncertain significance for Bloom syndrome. Last evaluated: 2026-02-23. Review status: criteria provided, single submitter. Criteria: ACMG Guidelines, 2015. Collection method: clinical testing. Allele origin: germline. Affected: yes.
Comment: ACMG classification criteria: PM2 supporting, PP3 supporting

Labcorp Genetics (formerly Invitae), Labcorp
Classification: Uncertain significance for Bloom syndrome. Last evaluated: 2026-01-27. Review status: criteria provided, single submitter. Criteria: Invitae Variant Classification Sherloc (09022015). Collection method: clinical testing. Allele origin: germline.
Comment: This sequence change replaces isoleucine, which is neutral and non-polar, with threonine, which is neutral and polar, at codon 1005 of the BLM protein (p.Ile1005Thr). This variant is present in population databases (rs772671554, gnomAD 0.002%). This variant has not been reported in the literature in individuals affected with BLM-related conditions. ClinVar contains an entry for this variant (Variation ID: 584503). Invitae Evidence Modeling of protein sequence and biophysical properties (such as structural, functional, and spatial information, amino acid conservation, physicochemical variation, residue mobility, and thermodynamic stability) indicates that this missense variant is expected to disrupt BLM protein function with a positive predictive value of 80%. In summary, the available evidence is currently insufficient to determine the role of this variant in disease. Therefore, it has been classified as a Variant of Uncertain Significance.

Ambry Genetics
Classification: Uncertain significance for Hereditary cancer-predisposing syndrome. Last evaluated: 2022-10-31. Review status: criteria provided, single submitter. Criteria: Ambry Variant Classification Scheme 2023. Collection method: clinical testing. Allele origin: germline.
Comment: The p.I1005T variant (also known as c.3014T>C), located in coding exon 14 of the BLM gene, results from a T to C substitution at nucleotide position 3014. The isoleucine at codon 1005 is replaced by threonine, an amino acid with similar properties. This alteration has been identified in a cohort of 130 Romanian breast cancer patients (Goidescu IG et al. Clujul Med, 2018 Apr;91:157-165). This amino acid position is highly conserved in available vertebrate species. In addition, this alteration is predicted to be deleterious by in silico analysis. Since supporting evidence is limited at this time, the clinical significance of this alteration remains unclear.

GeneKor MSA
Classification: Uncertain significance for Hereditary cancer-predisposing syndrome. Last evaluated: 2018-08-01. Review status: criteria provided, single submitter. Criteria: ACMG Guidelines, 2015. Collection method: clinical testing. Allele origin: germline.

Natera, Inc.
Classification: Uncertain significance for Bloom syndrome. Last evaluated: 2020-02-17. Review status: no assertion criteria provided. Collection method: clinical testing. Allele origin: germline. Not counted in ClinVar's aggregate classification.

Literature cited by the submitters: PubMed 29785153 (cited by Ambry Genetics).